The following is an entry in ClinVar:

ClinVar aggregate classification (germline): Uncertain significance (1 of 4 stars; one submission).

Allele frequency attached by ClinVar (database versions not stated): gnomAD exomes below 0.00001; gnomAD 0.00002; TOPMed 0.00002.
gnomAD v4.1: 4 of 1,194,813 alleles (0.00033%); highest among the groups gnomAD compares: Non-Finnish European, 0.00045%; no homozygotes.

Submission:

Labcorp Genetics (formerly Invitae), Labcorp
Classification: Uncertain significance. Last evaluated: 2024-10-22. Review status: criteria provided, single submitter. Criteria: Invitae Variant Classification Sherloc (09022015). Collection method: clinical testing. Allele origin: germline.
Comment: This sequence change replaces leucine, which is neutral and non-polar, with phenylalanine, which is neutral and non-polar, at codon 619 of the CACNA1F protein (p.Leu619Phe). This variant is not present in population databases (gnomAD no frequency). This variant has not been reported in the literature in individuals affected with CACNA1F-related conditions. ClinVar contains an entry for this variant (Variation ID: 935140). Invitae Evidence Modeling of protein sequence and biophysical properties (such as structural, functional, and spatial information, amino acid conservation, physicochemical variation, residue mobility, and thermodynamic stability) indicates that this missense variant is not expected to disrupt CACNA1F protein function with a negative predictive value of 80%. In summary, the available evidence is currently insufficient to determine the role of this variant in disease. Therefore, it has been classified as a Variant of Uncertain Significance.

NM_001256789.3(CACNA1F):c.1824G>C (p.Leu608Phe)

Gene: CACNA1F (calcium voltage-gated channel subunit alpha1 F; minus strand). Cytogenetic location: Xp11.23.
Variant type: single nucleotide variant.
Coding change: c.1824G>C on transcript NM_001256789.3 (MANE Select); coding-DNA position 1824, G replaced by C.
Protein change: p.Leu608Phe; replaces leucine 608 with phenylalanine.
Molecular consequence: missense variant.
Genome position (GRCh38, 1-based): chrX:49,224,814, C>G on the plus strand (G>C on the coding strand, the complement: CACNA1F is on the minus strand). VCF-style: chrX-49224814-C-G. GRCh37 (hg19) VCF-style: chrX-49081276-C-G.
Other names: c.1662G>C, p.Leu554Phe (NM_001256790.3); c.1857G>C, p.Leu619Phe (NM_005183.4); short protein forms L554F, L608F, L619F.
Identifiers: ClinVar variation 935140 (VCV000935140.9), dbSNP rs1354810346, ClinGen allele CA412914610.